The following is an entry in ClinVar:

ClinVar aggregate classification (germline): Likely benign (1 of 4 stars; one submission).

Submission:

GeneDx
Classification: Likely benign. Last evaluated: 2021-10-18. Review status: criteria provided, single submitter. Criteria: GeneDx Variant Classification Process June 2021. Collection method: clinical testing. Allele origin: germline. Affected: yes.
Comment: See Variant Classification Assertion Criteria.

NM_000718.4(CACNA1B):c.1187-101del

Gene: CACNA1B (calcium voltage-gated channel subunit alpha1 B; plus strand). Cytogenetic location: 9q34.3.
Variant type: Deletion.
Coding change: c.1187-101del on transcript NM_000718.4 (MANE Select); 101 bases into the intron before coding-DNA position 1187, one base deleted (A; older notation c.1187-101delA).
Molecular consequence: intron variant.
Genome position (GRCh38, 1-based): chr9:137,956,670, A deleted; the last of 17 consecutive A bases (chr9:137,956,654-137,956,670); deleting any one gives the same sequence. VCF-style (leftmost placement, unchanged base first): chr9-137956653-CA-C. GRCh37 (hg19) VCF-style: chr9-140851105-CA-C.
Other names: c.1187-101del (NM_001243812.2).
Identifiers: ClinVar variation 1706084 (VCV001706084.2), dbSNP rs879084940, ClinGen allele CA201827322.